The following is an entry in ClinVar:

NM_004656.4(BAP1):c.1460C>A (p.Thr487Asn)

Gene: BAP1 (BRCA1 associated deubiquitinase 1; minus strand). Cytogenetic location: 3p21.1.
Variant type: single nucleotide variant.
Coding change: c.1460C>A on transcript NM_004656.4 (MANE Select); coding-DNA position 1460, C replaced by A.
Protein change: p.Thr487Asn; replaces threonine 487 with asparagine.
Molecular consequence: missense variant.
Genome position (GRCh38, 1-based): chr3:52,403,685, G>T on the plus strand (C>A on the coding strand, the complement: BAP1 is on the minus strand). VCF-style: chr3-52403685-G-T. GRCh37 (hg19) VCF-style: chr3-52437701-G-T.
Other names: c.1406C>A, p.Thr469Asn (NM_001410772.1); short protein forms T469N, T487N.
Identifiers: ClinVar variation 2854576 (VCV002854576.3), dbSNP rs2153226713, ClinGen allele CA353101212.

ClinVar aggregate classification (germline): Uncertain significance (1 of 4 stars; one submission).

Conditions:
BAP1-related tumor predisposition syndrome (TPDS1). Also called: BAP1 tumor predisposition syndrome; Tumor susceptibility linked to germline BAP1 mutations; COMMON Syndrome; TUMOR PREDISPOSITION SYNDROME 1. Identifiers: Orphanet 289539, MedGen C3280492, MONDO:0013692, OMIM 614327.

Submission:

Labcorp Genetics (formerly Invitae), Labcorp
Classification: Uncertain significance for BAP1-related tumor predisposition syndrome. Last evaluated: 2023-10-05. Review status: criteria provided, single submitter. Criteria: Invitae Variant Classification Sherloc (09022015). Collection method: clinical testing. Allele origin: germline.
Comment: This sequence change replaces threonine, which is neutral and polar, with asparagine, which is neutral and polar, at codon 487 of the BAP1 protein (p.Thr487Asn). This variant is not present in population databases (gnomAD no frequency). This variant has not been reported in the literature in individuals affected with BAP1-related conditions. Advanced modeling of protein sequence and biophysical properties (such as structural, functional, and spatial information, amino acid conservation, physicochemical variation, residue mobility, and thermodynamic stability) has been performed at Invitae for this missense variant, however the output from this modeling did not meet the statistical confidence thresholds required to predict the impact of this variant on BAP1 protein function. In summary, the available evidence is currently insufficient to determine the role of this variant in disease. Therefore, it has been classified as a Variant of Uncertain Significance.